The following is an entry in ClinVar:

ClinVar aggregate classification (germline): Uncertain significance (1 of 4 stars; one submission).

gnomAD v4.1: 1 of 1,614,186 alleles (0.000062%); highest among the groups gnomAD compares: Non-Finnish European, 0.000085%; no homozygotes.

Submission:

Women's Health and Genetics/Laboratory Corporation of America, LabCorp
Classification: Uncertain significance. Last evaluated: 2026-02-23. Review status: criteria provided, single submitter. Criteria: LabCorp Variant Classification Summary - May 2015. Collection method: clinical testing. Allele origin: germline.
Comment: Variant summary: MMAA c.791T>C (p.Leu264Pro) results in a non-conservative amino acid change in the encoded protein sequence. Algorithms developed to predict the effect of missense changes on protein structure and function all suggest that this variant is likely to be disruptive. The variant was absent in 251384 control chromosomes. c.791T>C has been observed in compound heterozygous individuals affected with Methylmalonic Acidemia (e.g. Marelli_2022). These data indicate that the variant may be associated with disease. The following publication has been ascertained in the context of this evaluation (PMID: 35618652). No submitters have cited clinical-significance assessments for this variant to ClinVar. Based on the evidence outlined above, the variant was classified as VUS-possibly pathogenic.

Literature cited by the submitters: PubMed 35618652.

NM_172250.3(MMAA):c.791T>C (p.Leu264Pro)

Gene: MMAA (metabolism of cobalamin associated A; plus strand). Cytogenetic location: 4q31.21.
Variant type: single nucleotide variant.
Coding change: c.791T>C on transcript NM_172250.3 (MANE Select); coding-DNA position 791, T replaced by C.
Protein change: p.Leu264Pro; replaces leucine 264 with proline.
Molecular consequence: missense variant.
Genome position (GRCh38, 1-based): chr4:145,651,119, T>C. VCF-style: chr4-145651119-T-C. GRCh37 (hg19) VCF-style: chr4-146572271-T-C.
Other names: c.791T>C, p.Leu264Pro (NM_001375644.1); short protein forms L264P.
Identifiers: ClinVar variation 4848172 (VCV004848172.1).